The following is an entry in ClinVar:

NM_004736.4(XPR1):c.762C>T (p.Ala254=)

Gene: XPR1 (xenotropic and polytropic retrovirus receptor 1; plus strand). Cytogenetic location: 1q25.3.
Variant type: single nucleotide variant.
Coding change: c.762C>T on transcript NM_004736.4 (MANE Select); coding-DNA position 762, C replaced by T.
Protein change: p.Ala254=; no amino-acid change (alanine 254 retained).
Molecular consequence: synonymous variant. On other transcripts: non-coding transcript variant (1).
Genome position (GRCh38, 1-based): chr1:180,811,487, C>T. VCF-style: chr1-180811487-C-T. GRCh37 (hg19) VCF-style: chr1-180780623-C-T.
Other names: c.762C>T, p.Ala254= (NM_001135669.2, NM_001328662.2).
Identifiers: ClinVar variation 1367752 (VCV001367752.9), dbSNP rs776659201, ClinGen allele CA1272611.

ClinVar aggregate classification (germline): Uncertain significance. Review status: criteria provided, multiple submitters, no conflicts (2 of 4 stars). 2 submissions from 2 submitters: Uncertain significance (2). Last evaluated 2025-12-22.

Conditions:
Basal ganglia calcification, idiopathic, 6 (PFBC6). Also called: PRIMARY FAMILIAL BRAIN CALCIFICATION 6, AUTOSOMAL DOMINANT. Identifiers: Orphanet 1980, MedGen C4225335, MONDO:0014628, OMIM 616413.

Allele frequency attached by ClinVar (database versions not stated): gnomAD exomes 0.00003 and 0.00011; ExAC 0.00010; gnomAD 0.00007; TOPMed 0.00007.
gnomAD v4.1: 56 of 1,608,810 alleles (0.0035%); highest among the groups gnomAD compares: Admixed American, 0.037%; no homozygotes.

Submissions (2):

Labcorp Genetics (formerly Invitae), Labcorp
Classification: Uncertain significance. Last evaluated: 2025-12-22. Review status: criteria provided, single submitter. Criteria: Invitae Variant Classification Sherloc (09022015). Collection method: clinical testing. Allele origin: germline.
Comment: This sequence change affects codon 254 of the XPR1 mRNA. It is a 'silent' change, meaning that it does not change the encoded amino acid sequence of the XPR1 protein. It affects a nucleotide within the consensus splice site. This variant is present in population databases (rs776659201, gnomAD 0.05%), and has an allele count higher than expected for a pathogenic variant. This variant has not been reported in the literature in individuals affected with XPR1-related conditions. ClinVar contains an entry for this variant (Variation ID: 1367752). Algorithms developed to predict the effect of sequence changes on RNA splicing suggest that this variant is not likely to affect RNA splicing. In summary, the available evidence is currently insufficient to determine the role of this variant in disease. Therefore, it has been classified as a Variant of Uncertain Significance.

Institute of Human Genetics, University Hospital of Duesseldorf
Classification: Uncertain significance for Basal ganglia calcification, idiopathic, 6. Review status: criteria provided, single submitter. Criteria: ACMG Guidelines, 2015. Collection method: not provided. Allele origin: germline. Inheritance: Autosomal dominant inheritance. Affected: yes.